The following is an entry in ClinVar:

ClinVar aggregate classification (germline): Uncertain significance. Review status: criteria provided, multiple submitters, no conflicts (2 of 4 stars). 2 submissions from 2 submitters: Uncertain significance (2). Last evaluated 2025-03-17.

Conditions:
Inborn genetic diseases. Identifiers: MedGen C0950123, MeSH D030342.

Allele frequency attached by ClinVar (database versions not stated): gnomAD 0.00001; gnomAD exomes 0.00001 and 0.00002; TOPMed 0.00001; ExAC 0.00002.
gnomAD v4.1: 18 of 1,612,000 alleles (0.0011%); highest among the groups gnomAD compares: South Asian, 0.0011%; no homozygotes.

Submissions (2):

Labcorp Genetics (formerly Invitae), Labcorp
Classification: Uncertain significance. Last evaluated: 2025-03-17. Review status: criteria provided, single submitter. Criteria: Invitae Variant Classification Sherloc (09022015). Collection method: clinical testing. Allele origin: germline.
Comment: This sequence change replaces valine, which is neutral and non-polar, with isoleucine, which is neutral and non-polar, at codon 713 of the COL18A1 protein (p.Val713Ile). This variant is present in population databases (rs765166935, gnomAD 0.04%). This variant has not been reported in the literature in individuals affected with COL18A1-related conditions. ClinVar contains an entry for this variant (Variation ID: 1063735). Experimental studies and prediction algorithms are not available or were not evaluated, and the functional significance of this variant is currently unknown. In summary, the available evidence is currently insufficient to determine the role of this variant in disease. Therefore, it has been classified as a Variant of Uncertain Significance.

Ambry Genetics
Classification: Uncertain significance for Inborn genetic diseases. Last evaluated: 2021-06-29. Review status: criteria provided, single submitter. Criteria: Ambry Variant Classification Scheme 2023. Collection method: clinical testing. Allele origin: germline.

NM_001379500.1(COL18A1):c.2137G>A (p.Val713Ile)

Gene: COL18A1 (collagen type XVIII alpha 1 chain; plus strand). Cytogenetic location: 21q22.3.
Variant type: single nucleotide variant.
Coding change: c.2137G>A on transcript NM_001379500.1 (MANE Select); coding-DNA position 2137, G replaced by A.
Protein change: p.Val713Ile; replaces valine 713 with isoleucine.
Molecular consequence: missense variant.
Genome position (GRCh38, 1-based): chr21:45,491,294, G>A. VCF-style: chr21-45491294-G-A. GRCh37 (hg19) VCF-style: chr21-46911208-G-A.
Other names: NM_130445.2:c.2137G>A; c.2677G>A, p.Val893Ile (NM_030582.4); c.3382G>A, p.Val1128Ile (NM_130444.3); short protein forms V1128I, V713I, V893I.
Identifiers: ClinVar variation 1063735 (VCV001063735.6), dbSNP rs765166935, ClinGen allele CA10066824.